The following is an entry in ClinVar:

ClinVar aggregate classification (germline): Uncertain significance. Review status: criteria provided, multiple submitters, no conflicts (2 of 4 stars). 5 submissions from 5 submitters: Uncertain significance (5). Last evaluated 2025-11-05.

Conditions:
Cardiovascular phenotype. Identifiers: MedGen CN230736.
Cardiomyopathy (CMYO). Also called: Cardiomyopathies. Identifiers: Orphanet 167848, MedGen C0878544, MONDO:0004994, HP:0001638. Inheritance: Various modes of inheritance.
Hypertrophic cardiomyopathy. Also called: HYPERTROPHIC MYOCARDIOPATHY. Identifiers: Orphanet 217569, MedGen C0007194, MeSH D002312, MONDO:0005045, HP:0001639.

Allele frequency attached by ClinVar (database versions not stated): gnomAD exomes below 0.00001; gnomAD 0.00001; TOPMed 0.00001.
gnomAD v4.1: 8 of 1,613,880 alleles (0.0005%); highest among the groups gnomAD compares: Non-Finnish European, 0.00068%; no homozygotes.

Submissions (5):

Ambry Genetics
Classification: Uncertain significance for Cardiovascular phenotype. Last evaluated: 2025-11-05. Review status: criteria provided, single submitter. Criteria: Ambry Variant Classification Scheme 2023. Collection method: clinical testing. Allele origin: germline.
Comment: The c.530+1G>A intronic variant results from a G to A substitution one nucleotide after coding exon 4 of the MYH7 gene. This nucleotide position is highly conserved in available vertebrate species. In silico splice site analysis predicts that this alteration will weaken the native splice donor site. Alterations that disrupt the canonical splice site are expected to cause aberrant splicing, resulting in an abnormal protein or a transcript that is subject to nonsense-mediated mRNA decay. However, loss of function has not been established as a mechanism of disease. Based on the available evidence, the clinical significance of this alteration remains unclear.

Labcorp Genetics (formerly Invitae), Labcorp
Classification: Uncertain significance for Hypertrophic cardiomyopathy. Last evaluated: 2025-03-17. Review status: criteria provided, single submitter. Criteria: Invitae Variant Classification Sherloc (09022015). Collection method: clinical testing. Allele origin: germline.
Comment: This sequence change affects a donor splice site in intron 6 of the MYH7 gene. It is expected to disrupt RNA splicing. Variants that disrupt the donor or acceptor splice site typically lead to a loss of protein function (PMID: 16199547), however the current clinical and genetic evidence is not sufficient to establish whether loss-of-function variants in MYH7 cause disease. This variant is not present in population databases (gnomAD no frequency). Disruption of this splice site has been observed in individual(s) with MYH7-related conditions (PMID: 31130284). ClinVar contains an entry for this variant (Variation ID: 181311). Algorithms developed to predict the effect of sequence changes on RNA splicing suggest that this variant may disrupt the consensus splice site. In summary, the available evidence is currently insufficient to determine the role of this variant in disease. Therefore, it has been classified as a Variant of Uncertain Significance.

GeneDx
Classification: Uncertain significance. Last evaluated: 2025-03-13. Review status: criteria provided, single submitter. Criteria: GeneDx Variant Classification Process June 2021. Collection method: clinical testing. Allele origin: germline. Affected: yes.
Comment: Not observed at significant frequency in large population cohorts (gnomAD); Has not been previously published as pathogenic or benign to our knowledge; Canonical splice site variant in a gene for which loss-of-function is not a known mechanism of disease

Mayo Clinic Laboratories, Mayo Clinic
Classification: Uncertain significance. Last evaluated: 2025-02-23. Review status: criteria provided, single submitter. Criteria: ACMG Guidelines, 2015. Collection method: clinical testing. Allele origin: germline. Observed: 1 variant allele.
Comment: PP3, PM2_supporting

CHEO Genetics Diagnostic Laboratory, Children's Hospital of Eastern Ontario
Classification: Uncertain significance for Cardiomyopathy. Last evaluated: 2018-03-02. Review status: criteria provided, single submitter. Criteria: ACMG Guidelines, 2015. Collection method: clinical testing. Allele origin: germline.

Literature cited by the submitters: PubMed 16199547 (cited by Labcorp Genetics (formerly Invitae), Labcorp); PubMed 31130284 (cited by Labcorp Genetics (formerly Invitae), Labcorp and Mayo Clinic Laboratories, Mayo Clinic).

NM_000257.4(MYH7):c.530+1G>A

Gene: MYH7 (myosin heavy chain 7; minus strand). Cytogenetic location: 14q11.2.
Variant type: single nucleotide variant.
Coding change: c.530+1G>A on transcript NM_000257.4 (MANE Select); the canonical splice donor site of the intron after coding-DNA position 530, G replaced by A.
Molecular consequence: splice donor variant.
Genome position (GRCh38, 1-based): chr14:23,432,478, C>T on the plus strand (G>A on the coding strand, the complement: MYH7 is on the minus strand). VCF-style: chr14-23432478-C-T. GRCh37 (hg19) VCF-style: chr14-23901687-C-T.
Other names: c.530+1G>A (NM_001407004.1).
Identifiers: ClinVar variation 181311 (VCV000181311.12), dbSNP rs112447523, ClinGen allele CA015887.